The following is an entry in ClinVar:

ClinVar aggregate classification (germline): Benign. Review status: criteria provided, multiple submitters, no conflicts (2 of 4 stars). 4 submissions from 4 submitters: Benign (4). Last evaluated 2026-02-02.

Conditions:
Age related macular degeneration 1 (ARMD1). Also called: MACULOPATHY, AGE-RELATED, 1. Identifiers: MedGen C1864205, MONDO:0011285, OMIM 603075.

Allele frequency attached by ClinVar (database versions not stated): gnomAD 0.08845 and 0.08425; 1000 Genomes Project 0.09924; ExAC 0.03901; gnomAD exomes 0.02276 and 0.03413; TOPMed 0.09103; ESP Exome Variant Server 0.09250; 1000 Genomes Project 30x 0.10540.
gnomAD v4.1: 46,546 of 1,613,638 alleles (2.9%); highest among the groups gnomAD compares: African/African-American, 25%; 2,792 homozygotes.

Submissions (4):

Labcorp Genetics (formerly Invitae), Labcorp
Classification: Benign. Last evaluated: 2026-02-02. Review status: criteria provided, single submitter. Criteria: Invitae Variant Classification Sherloc (09022015). Collection method: clinical testing. Allele origin: germline.

Genome-Nilou Lab
Classification: Benign for Age related macular degeneration 1. Last evaluated: 2023-04-11. Review status: criteria provided, single submitter. Criteria: ACMG Guidelines, 2015. Collection method: clinical testing. Allele origin: germline. Affected: no.

Illumina Laboratory Services, Illumina
Classification: Benign for Age related macular degeneration 1. Last evaluated: 2018-01-13. Review status: criteria provided, single submitter. Criteria: ICSL Variant Classification Criteria 13 December 2019. Collection method: clinical testing. Allele origin: germline.
Comment: This variant was observed in the ICSL laboratory as part of a predisposition screen in an ostensibly healthy population. It had not been previously curated by ICSL or reported in the Human Gene Mutation Database (HGMD: prior to June 1st, 2018), and was therefore a candidate for classification through an automated scoring system. Utilizing variant allele frequency, disease prevalence and penetrance estimates, and inheritance mode, an automated score was calculated to assess if this variant is too frequent to cause the disease. Based on the score and internal cut-off values, a variant classified as benign is not then subjected to further curation. The score for this variant resulted in a classification of benign for this disease.

Breakthrough Genomics
Classification: Benign. Review status: criteria provided, single submitter. Criteria: ACMG Guidelines, 2015. Collection method: not provided. Allele origin: germline. Inheritance: Autosomal dominant inheritance. Affected: yes.

NM_031935.3(HMCN1):c.15260A>T (p.Asp5087Val)

Gene: HMCN1 (hemicentin 1; plus strand). Cytogenetic location: 1q31.1.
Variant type: single nucleotide variant.
Coding change: c.15260A>T on transcript NM_031935.3 (MANE Select); coding-DNA position 15260, A replaced by T.
Protein change: p.Asp5087Val; replaces aspartic acid 5087 with valine.
Molecular consequence: missense variant.
Genome position (GRCh38, 1-based): chr1:186,165,114, A>T. VCF-style: chr1-186165114-A-T. GRCh37 (hg19) VCF-style: chr1-186134246-A-T.
Other names: short protein forms D5087V.
Identifiers: ClinVar variation 294286 (VCV000294286.14), dbSNP rs41317507, ClinGen allele CA1295196.